The following is an entry in ClinVar:

NM_000540.3(RYR1):c.14928C>A (p.Phe4976Leu)

Gene: RYR1 (ryanodine receptor 1; plus strand). Cytogenetic location: 19q13.2.
Variant type: single nucleotide variant.
Coding change: c.14928C>A on transcript NM_000540.3 (MANE Select); coding-DNA position 14928, C replaced by A.
Protein change: p.Phe4976Leu; replaces phenylalanine 4976 with leucine.
Molecular consequence: missense variant.
Genome position (GRCh38, 1-based): chr19:38,586,150, C>A. VCF-style: chr19-38586150-C-A. GRCh37 (hg19) VCF-style: chr19-39076790-C-A.
Other names: c.14913C>A, p.Phe4971Leu (NM_001042723.2); short protein forms F4976L, F4971L.
Identifiers: ClinVar variation 2760740 (VCV002760740.3), dbSNP rs368874586, ClinGen allele CA308126717.
Genomic context (GRCh38, chr19:38,586,150, plus strand): 5'-GACCAAGTGCTTCATCTGTGGAATCGGCAGTGACTACTTTGATACGACACCGCATGGCTT[C>A]GAGACTCACACGCTGGAGGAGCACAACCTGGCCAATTACATGTGAGCAGACACACTGGCC-3'
Protein context (NP_000531.2, residues 4966-4986): SDYFDTTPHG[Phe4976Leu]ETHTLEEHNL

ClinVar aggregate classification (germline): Pathogenic (1 of 4 stars; one submission).

Conditions:
RYR1-related disorder. Also called: RYR1-related condition; RYR1-related disorders. Identifiers: MedGen CN239331.

Allele frequency attached by ClinVar (database versions not stated): ESP Exome Variant Server 0.00008.
gnomAD v4.1: 2 of 1,613,890 alleles (0.00012%); highest among the groups gnomAD compares: Non-Finnish European, 0.00017%; no homozygotes.

Submission:

Labcorp Genetics (formerly Invitae), Labcorp
Classification: Pathogenic for RYR1-related disorder. Last evaluated: 2023-05-02. Review status: criteria provided, single submitter. Criteria: Invitae Variant Classification Sherloc (09022015). Collection method: clinical testing. Allele origin: germline.
Comment: For these reasons, this variant has been classified as Pathogenic. Advanced modeling of protein sequence and biophysical properties (such as structural, functional, and spatial information, amino acid conservation, physicochemical variation, residue mobility, and thermodynamic stability) performed at Invitae indicates that this missense variant is expected to disrupt RYR1 protein function. A different variant (c.14928C>G) giving rise to the same protein effect has been determined to be pathogenic (PMID: 24706162, 25882082, 30155320). This suggests that this variant is also likely to be causative of disease. This variant is not present in population databases (gnomAD no frequency). This sequence change replaces phenylalanine, which is neutral and non-polar, with leucine, which is neutral and non-polar, at codon 4976 of the RYR1 protein (p.Phe4976Leu).

Literature cited by the submitters: PubMed 24706162; PubMed 25882082; PubMed 30155320.